The following is an entry in ClinVar:

NM_152383.5(DIS3L2):c.2232G>A (p.Met744Ile)

Gene: DIS3L2 (DIS3 like 3'-5' exoribonuclease 2; plus strand). Cytogenetic location: 2q37.1.
Variant type: single nucleotide variant.
Coding change: c.2232G>A on transcript NM_152383.5 (MANE Select); coding-DNA position 2232, G replaced by A.
Protein change: p.Met744Ile; replaces methionine 744 with isoleucine.
Molecular consequence: missense variant. On other transcripts: non-coding transcript variant (2), intron variant (1).
Genome position (GRCh38, 1-based): chr2:232,334,442, G>A. VCF-style: chr2-232334442-G-A. GRCh37 (hg19) VCF-style: chr2-233199152-G-A.
Other names: c.1582-8903G>A (NM_001257281.2); short protein forms M744I.
Identifiers: ClinVar variation 942952 (VCV000942952.9), dbSNP rs1695874538, ClinGen allele CA350977761.

ClinVar aggregate classification (germline): Uncertain significance (1 of 4 stars; one submission).

Conditions:
Perlman syndrome (PRLMNS). Identifiers: Orphanet 2849, MedGen C0796113, MONDO:0009965, OMIM 267000.

Allele frequency attached by ClinVar (database versions not stated): gnomAD exomes below 0.00001.
gnomAD v4.1: 1 of 1,613,914 alleles (0.000062%); highest among the groups gnomAD compares: Non-Finnish European, 0.000085%; no homozygotes.

Submission:

Labcorp Genetics (formerly Invitae), Labcorp
Classification: Uncertain significance for Perlman syndrome. Last evaluated: 2020-05-07. Review status: criteria provided, single submitter. Criteria: Invitae Variant Classification Sherloc (09022015). Collection method: clinical testing. Allele origin: germline.
Comment: In summary, the available evidence is currently insufficient to determine the role of this variant in disease. Therefore, it has been classified as a Variant of Uncertain Significance. Algorithms developed to predict the effect of sequence changes on RNA splicing suggest that this variant may create or strengthen a splice site, but this prediction has not been confirmed by published transcriptional studies. Algorithms developed to predict the effect of missense changes on protein structure and function output the following: SIFT: "Tolerated"; PolyPhen-2: "Benign"; Align-GVGD: "Class C0". The isoleucine amino acid residue is found in multiple mammalian species, suggesting that this missense change does not adversely affect protein function. These predictions have not been confirmed by published functional studies and their clinical significance is uncertain. This variant has not been reported in the literature in individuals with DIS3L2-related conditions. This variant is not present in population databases (ExAC no frequency). This sequence change replaces methionine with isoleucine at codon 744 of the DIS3L2 protein (p.Met744Ile). The methionine residue is moderately conserved and there is a small physicochemical difference between methionine and isoleucine.